The following is an entry in ClinVar:

NM_001164665.2(KIAA1549):c.2725C>T (p.Pro909Ser)

Gene: KIAA1549 (KIAA1549; minus strand). Cytogenetic location: 7q34.
Variant type: single nucleotide variant.
Coding change: c.2725C>T on transcript NM_001164665.2 (MANE Select); coding-DNA position 2725, C replaced by T.
Protein change: p.Pro909Ser; replaces proline 909 with serine.
Molecular consequence: missense variant.
Genome position (GRCh38, 1-based): chr7:138,916,901, G>A on the plus strand (C>T on the coding strand, the complement: KIAA1549 is on the minus strand). VCF-style: chr7-138916901-G-A. GRCh37 (hg19) VCF-style: chr7-138601647-G-A.
Other names: c.2725C>T, p.Pro909Ser (NM_020910.3); short protein forms P909S.
Identifiers: ClinVar variation 952703 (VCV000952703.7), dbSNP rs775449098, ClinGen allele CA4506433.
Genomic context (GRCh38, chr7:138,916,901, plus strand): 5'-GAGTGAAGGCAGTCACGGGACGCAGGGATGGCAGGGGAGGAGCAGCACTACTCTCTGGGG[G>A]GCTCTGACTTGCGGCGTCACCCATCAGGGTGGAGTCGAGGGGACCACCAGTGGCAGCACC-3'
Protein context (NP_001158137.1, residues 899-919): TLMGDAASQS[Pro909Ser]PESSAAPPLP

ClinVar aggregate classification (germline): Uncertain significance (1 of 4 stars; one submission).

Allele frequency attached by ClinVar (database versions not stated): gnomAD exomes below 0.00001 and 0.00002; gnomAD 0.00001; ExAC 0.00002; TOPMed 0.00002.
gnomAD v4.1: 27 of 1,613,484 alleles (0.0017%); highest among the groups gnomAD compares: Middle Eastern, 0.016%; no homozygotes.

Submission:

Labcorp Genetics (formerly Invitae), Labcorp
Classification: Uncertain significance. Last evaluated: 2022-04-03. Review status: criteria provided, single submitter. Criteria: Invitae Variant Classification Sherloc (09022015). Collection method: clinical testing. Allele origin: germline.
Comment: This sequence change replaces proline, which is neutral and non-polar, with serine, which is neutral and polar, at codon 909 of the KIAA1549 protein (p.Pro909Ser). This variant is present in population databases (rs775449098, gnomAD 0.0009%). This variant has not been reported in the literature in individuals affected with KIAA1549-related conditions. ClinVar contains an entry for this variant (Variation ID: 952703). Algorithms developed to predict the effect of missense changes on protein structure and function output the following: SIFT: "Tolerated"; PolyPhen-2: "Benign"; Align-GVGD: "Class C0". The serine amino acid residue is found in multiple mammalian species, which suggests that this missense change does not adversely affect protein function. In summary, the available evidence is currently insufficient to determine the role of this variant in disease. Therefore, it has been classified as a Variant of Uncertain Significance.